The following is an entry in ClinVar:

ClinVar aggregate classification (germline): Likely benign (1 of 4 stars; one submission).

Conditions:
PIK3CA-related disorder. Also called: PIK3CA- related disease; PIK3CA-related disorders; PIK3CA-related condition.

Submission:

PreventionGenetics, part of Exact Sciences
Classification: Likely benign for PIK3CA-related condition. Last evaluated: 2024-12-09. Review status: criteria provided, single submitter. Criteria: ACMG Guidelines, 2015. Collection method: clinical testing. Allele origin: germline.
Comment: This variant is classified as likely benign based on ACMG/AMP sequence variant interpretation guidelines (Richards et al. 2015 PMID: 25741868, with internal and published modifications).

NM_006218.4(PIK3CA):c.1252-3A>C

Gene: PIK3CA (phosphatidylinositol-4,5-bisphosphate 3-kinase catalytic subunit alpha; plus strand). Cytogenetic location: 3q26.32.
Variant type: single nucleotide variant.
Coding change: c.1252-3A>C on transcript NM_006218.4 (MANE Select); 3 bases into the intron before coding-DNA position 1252, A replaced by C.
Molecular consequence: intron variant.
Genome position (GRCh38, 1-based): chr3:179,210,183, A>C. VCF-style: chr3-179210183-A-C. GRCh37 (hg19) VCF-style: chr3-178927971-A-C.
Identifiers: ClinVar variation 4983979 (VCV004983979.1).